The following is an entry in ClinVar:

NM_000540.3(RYR1):c.13470G>T (p.Glu4490Asp)

Gene: RYR1 (ryanodine receptor 1; plus strand). Cytogenetic location: 19q13.2.
Variant type: single nucleotide variant.
Coding change: c.13470G>T on transcript NM_000540.3 (MANE Select); coding-DNA position 13470, G replaced by T.
Protein change: p.Glu4490Asp; replaces glutamic acid 4490 with aspartic acid.
Molecular consequence: missense variant.
Genome position (GRCh38, 1-based): chr19:38,566,943, G>T. VCF-style: chr19-38566943-G-T. GRCh37 (hg19) VCF-style: chr19-39057583-G-T.
Other names: c.13455G>T, p.Glu4485Asp (NM_001042723.2); short protein forms E4485D, E4490D.
Identifiers: ClinVar variation 1504603 (VCV001504603.8), dbSNP rs193922858, ClinGen allele CA405676373.
Genomic context (GRCh38, chr19:38,566,943, plus strand): 5'-TCAGCCCTGATGCTTGCCCTGTCCCTAGGTGGATGGAGTGGAGGAGGAGCTCCCGCCAGA[G>T]CCAGAGCCCGAGCCGGAACCAGAGCTGGAGCCGGAGAAAGCCGAGTGAGTGGCCTTGGGG-3'
Protein context (NP_000531.2, residues 4480-4500): VDGVEEELPP[Glu4490Asp]PEPEPEPELE

ClinVar aggregate classification (germline): Uncertain significance (1 of 4 stars; one submission).

Conditions:
RYR1-related disorder. Also called: RYR1-related condition; RYR1-related disorders. Identifiers: MedGen CN239331.

Allele frequency attached by ClinVar (database versions not stated): gnomAD 0.00001; TOPMed 0.00001.

Submission:

Labcorp Genetics (formerly Invitae), Labcorp
Classification: Uncertain significance for RYR1-related disorder. Last evaluated: 2021-02-22. Review status: criteria provided, single submitter. Criteria: Invitae Variant Classification Sherloc (09022015). Collection method: clinical testing. Allele origin: germline.
Comment: In summary, the available evidence is currently insufficient to determine the role of this variant in disease. Therefore, it has been classified as a Variant of Uncertain Significance. This sequence change replaces glutamic acid with aspartic acid at codon 4490 of the RYR1 protein (p.Glu4490Asp). The glutamic acid residue is moderately conserved and there is a small physicochemical difference between glutamic acid and aspartic acid. This variant is not present in population databases (ExAC no frequency). This variant has not been reported in the literature in individuals with RYR1-related conditions. Advanced modeling of protein sequence and biophysical properties (such as structural, functional, and spatial information, amino acid conservation, physicochemical variation, residue mobility, and thermodynamic stability) performed at Invitae indicates that this missense variant is not expected to disrupt RYR1 protein function.